The following is an entry in ClinVar:

NM_018006.5(TRMU):c.74G>A (p.Arg25Lys)

Gene: TRMU (tRNA mitochondrial 2-thiouridylase; plus strand). Cytogenetic location: 22q13.31.
Variant type: single nucleotide variant.
Coding change: c.74G>A on transcript NM_018006.5 (MANE Select); coding-DNA position 74, G replaced by A.
Protein change: p.Arg25Lys; replaces arginine 25 with lysine.
Molecular consequence: missense variant. On other transcripts: 5 prime UTR variant (3), non-coding transcript variant (2).
Genome position (GRCh38, 1-based): chr22:46,335,838, G>A. VCF-style: chr22-46335838-G-A. GRCh37 (hg19) VCF-style: chr22-46731735-G-A.
Other names: c.-162G>A (NM_001282782.2); c.-181G>A (NM_001282783.2, NM_001282784.2); c.74G>A, p.Arg25Lys (NM_001282785.2); c.74G>A (NM_018006.4); short protein forms R25K.
Identifiers: ClinVar variation 594125 (VCV000594125.6), dbSNP rs1569057032, ClinGen allele CA411939181.
Genomic context (GRCh38, chr22:46,335,838, plus strand): 5'-GGCACGTCGTGTGCGCCCTGTCCGGCGGCGTGGACAGCGCCGTGGCCGCGCTGCTGCTGA[G>A]GCGGAGAGGTGAGGCGTCCGAGGCTCCCGCCCCCCGCCGAGCGAATGTGTCCCCGGAAAC-3'
Protein context (NP_060476.2, residues 15-35): VDSAVAALLL[Arg25Lys]RRGYQVTGVF

ClinVar aggregate classification (germline): Uncertain significance. Review status: criteria provided, multiple submitters, no conflicts (2 of 4 stars). 2 submissions from 2 submitters: Uncertain significance (2). Last evaluated 2023-07-15.

Conditions:
TRMU-related disorder. Also called: TRMU-related condition.

gnomAD v4.1: 3 of 1,551,226 alleles (0.00019%); highest among the groups gnomAD compares: Non-Finnish European, 0.00026%; no homozygotes.

Submissions (2):

PreventionGenetics, part of Exact Sciences
Classification: Uncertain significance for TRMU-related condition. Last evaluated: 2023-07-15. Review status: criteria provided, single submitter. Criteria: ACMG Guidelines, 2015. Collection method: clinical testing. Allele origin: germline.
Comment: The TRMU c.74G>A variant is predicted to result in the amino acid substitution p.Arg25Lys. To our knowledge, this variant has not been reported in the literature or in a large population database, indicating this variant is rare. At this time, the clinical significance of this variant is uncertain due to the absence of conclusive functional and genetic evidence.

Eurofins Ntd Llc (ga)
Classification: Uncertain significance. Last evaluated: 2017-09-18. Review status: criteria provided, single submitter. Criteria: EGL Classification Definitions 2015. Collection method: clinical testing. Allele origin: germline. Observed: 1 variant allele, 1 heterozygote.